The following is an entry in ClinVar:

NM_002693.3(POLG):c.2499G>A (p.Glu833=)

Gene: POLG (DNA polymerase gamma, catalytic subunit; minus strand). Cytogenetic location: 15q26.1.
Variant type: single nucleotide variant.
Coding change: c.2499G>A on transcript NM_002693.3 (MANE Select); coding-DNA position 2499, G replaced by A.
Protein change: p.Glu833=; no amino-acid change (glutamic acid 833 retained).
Molecular consequence: synonymous variant.
Genome position (GRCh38, 1-based): chr15:89,321,835, C>T on the plus strand (G>A on the coding strand, the complement: POLG is on the minus strand). VCF-style: chr15-89321835-C-T. GRCh37 (hg19) VCF-style: chr15-89865066-C-T.
Other names: c.2499G>A, p.Glu833= (NM_001126131.2).
Identifiers: ClinVar variation 507855 (VCV000507855.2), dbSNP rs1209332881, ClinGen allele CA492074807.
Genomic context (GRCh38, chr15:89,321,835, plus strand): 5'-CCGGCGAGTGATGGTGCCGGCAGTCACCACTTGGGGCAGGATGGCCCCATAGAGGCCTTC[C>T]TCATCATAGTCGGGGTGCCTGGTGGGGTGCAGGGGAAGGAAATGGGTCTTAGCAGGGTGC-3'
Protein context (NP_002684.1, residues 823-843): RAVIRHPDYD[Glu833=]EGLYGAILPQ

ClinVar aggregate classification (germline): Likely benign. Review status: criteria provided, multiple submitters, no conflicts (2 of 4 stars). 2 submissions from 2 submitters: Likely benign (2). Last evaluated 2025-03-17.

Conditions:
Progressive sclerosing poliodystrophy (MTDPS4A). Also called: Alpers-Huttenlocher Syndrome (AHS); ALPERS PROGRESSIVE INFANTILE POLIODYSTROPHY; Mitochondrial DNA Depletion Syndrome 4A; Mitochondrial DNA depletion syndrome 4A (Alpers type); NEURONAL DEGENERATION OF CHILDHOOD WITH LIVER DISEASE, PROGRESSIVE; Alpers Syndrome. Identifiers: Orphanet 726, MedGen C0205710, MONDO:0008758, OMIM 203700.

Allele frequency attached by ClinVar (database versions not stated): gnomAD exomes below 0.00001.
gnomAD v4.1: 1 of 1,614,084 alleles (0.000062%); no homozygotes.

Submissions (2):

Labcorp Genetics (formerly Invitae), Labcorp
Classification: Likely benign for Progressive sclerosing poliodystrophy. Last evaluated: 2025-03-17. Review status: criteria provided, single submitter. Criteria: Invitae Variant Classification Sherloc (09022015). Collection method: clinical testing. Allele origin: germline.

GeneDx
Classification: Likely benign. Last evaluated: 2017-03-06. Review status: criteria provided, single submitter. Criteria: GeneDx Variant Classification (06012015). Collection method: clinical testing. Allele origin: germline. Affected: yes.
Comment: This variant is considered likely benign or benign based on one or more of the following criteria: it is a conservative change, it occurs at a poorly conserved position in the protein, it is predicted to be benign by multiple in silico algorithms, and/or has population frequency not consistent with disease.